The following is an entry in ClinVar:

ClinVar aggregate classification (germline): Uncertain significance. Review status: criteria provided, multiple submitters, no conflicts (2 of 4 stars). 2 submissions from 2 submitters: Uncertain significance (2). Last evaluated 2022-11-08.

Submissions (2):

Labcorp Genetics (formerly Invitae), Labcorp
Classification: Uncertain significance. Last evaluated: 2022-11-08. Review status: criteria provided, single submitter. Criteria: Invitae Variant Classification Sherloc (09022015). Collection method: clinical testing. Allele origin: germline.
Comment: Information on the frequency of this variant in the gnomAD database is not available, as this variant may be reported differently in the database. In summary, the available evidence is currently insufficient to determine the role of this variant in disease. Therefore, it has been classified as a Variant of Uncertain Significance. Algorithms developed to predict the effect of missense changes on protein structure and function are either unavailable or do not agree on the potential impact of this missense change (SIFT: "Not Available"; PolyPhen-2: "Benign"; Align-GVGD: "Not Available"). This variant has not been reported in the literature in individuals affected with IMPG2-related conditions. This sequence change replaces alanine, which is neutral and non-polar, with tyrosine, which is neutral and polar, at codon 741 of the IMPG2 protein (p.Ala741Tyr).

Blueprint Genetics
Classification: Uncertain significance. Last evaluated: 2020-08-18. Review status: criteria provided, single submitter. Criteria: ACMG Guidelines, 2015. Collection method: clinical testing. Allele origin: germline.

NM_016247.4(IMPG2):c.2221_2222delinsTA (p.Ala741Tyr)

Gene: IMPG2 (interphotoreceptor matrix proteoglycan 2; minus strand). Cytogenetic location: 3q12.3.
Variant type: Indel.
Coding change: c.2221_2222delinsTA on transcript NM_016247.4 (MANE Select); coding-DNA positions 2221 to 2222, GC replaced by TA.
Protein change: p.Ala741Tyr; replaces alanine 741 with tyrosine.
Molecular consequence: missense variant.
Genome position (GRCh38, 1-based): chr3:101,244,109-101,244,110, GC replaced by TA on the plus strand (GC replaced by TA on the coding strand, the reverse complement: IMPG2 is on the minus strand). VCF-style: chr3-101244109-GC-TA. GRCh37 (hg19) VCF-style: chr3-100962953-GC-TA.
Other names: short protein forms A741Y.
Identifiers: ClinVar variation 1995556 (VCV001995556.5), dbSNP rs2508943743, ClinGen allele CA2580068576.